The following is an entry in ClinVar:

NC_000023.11:g.18646061G>A

Genes: CDKL5 (cyclin dependent kinase like 5; plus strand), RS1 (retinoschisin 1; minus strand). Cytogenetic location: Xp22.13.
Variant type: single nucleotide variant.
Molecular consequence: intron variant (on NM_000330.4). On other transcripts: missense variant (2).
Genome position: GRCh38 VCF-style: chrX-18646061-G-A. GRCh37 (hg19) VCF-style: chrX-18664181-G-A.
Other names: c.2768G>A, p.Arg923His (NM_001037343.2, NM_003159.3); c.326+1130C>T (NM_000330.4); short protein forms R923H.
Identifiers: ClinVar variation 1175808 (VCV001175808.39), dbSNP rs1487927674, ClinGen allele CA412372489.

ClinVar aggregate classification (germline): Likely benign. Review status: criteria provided, multiple submitters, no conflicts (2 of 4 stars). 2 submissions from 2 submitters: Likely benign (2). Last evaluated 2025-02-12.

Conditions:
Developmental and epileptic encephalopathy, 2 (DEE2). Also called: INFANTILE SPASM SYNDROME, X-LINKED 2; CDKL5 deficiency disorder. Identifiers: Orphanet 1934, Orphanet 3451, Orphanet 505652, MedGen C4750718, MONDO:0010396, OMIM 300672.
Angelman syndrome-like. Identifiers: MedGen CN128785.

Allele frequency attached by ClinVar (database versions not stated): gnomAD exomes 0.00001; TOPMed 0.00001; gnomAD 0.00002.
gnomAD v4.1: 11 of 1,210,114 alleles (0.00091%); highest among the groups gnomAD compares: East Asian, 0.003%; no homozygotes.

Submissions (2):

Labcorp Genetics (formerly Invitae), Labcorp
Classification: Likely benign for Developmental and epileptic encephalopathy, 2; Angelman syndrome-like. Last evaluated: 2025-02-12. Review status: criteria provided, single submitter. Criteria: Invitae Variant Classification Sherloc (09022015). Collection method: clinical testing. Allele origin: germline.

CeGaT Center for Human Genetics Tuebingen
Classification: Likely benign. Last evaluated: 2023-03-01. Review status: criteria provided, single submitter. Criteria: CeGaT Center For Human Genetics Tuebingen Variant Classification Criteria Version 2. Collection method: clinical testing. Allele origin: germline. Affected: yes. Observed: 3 variant alleles.
Comment: CDKL5: BP4, BS2